The following is an entry in ClinVar:

ClinVar aggregate classification (germline): Uncertain significance (1 of 4 stars; one submission).

Allele frequency attached by ClinVar (database versions not stated): ExAC 0.00002; TOPMed 0.00006; 1000 Genomes Project 30x 0.00031; 1000 Genomes Project 0.00040; gnomAD 0.00007.

Submission:

Labcorp Genetics (formerly Invitae), Labcorp
Classification: Uncertain significance. Last evaluated: 2025-06-24. Review status: criteria provided, single submitter. Criteria: Invitae Variant Classification Sherloc (09022015). Collection method: clinical testing. Allele origin: germline.
Comment: This sequence change replaces glutamic acid, which is acidic and polar, with lysine, which is basic and polar, at codon 474 of the TNS2 protein (p.Glu474Lys). This variant is present in population databases (rs569791054, gnomAD 0.02%). This variant has not been reported in the literature in individuals affected with TNS2-related conditions. ClinVar contains an entry for this variant (Variation ID: 2722929). An algorithm developed to predict the effect of missense changes on protein structure and function (PolyPhen-2) suggests that this variant is likely to be disruptive. In summary, the available evidence is currently insufficient to determine the role of this variant in disease. Therefore, it has been classified as a Variant of Uncertain Significance.

NM_170754.4(TNS2):c.1390G>A (p.Glu464Lys)

Gene: TNS2 (tensin 2; plus strand). Cytogenetic location: 12q13.13.
Variant type: single nucleotide variant.
Coding change: c.1390G>A on transcript NM_170754.4 (MANE Select); coding-DNA position 1390, G replaced by A.
Protein change: p.Glu464Lys; replaces glutamic acid 464 with lysine.
Molecular consequence: missense variant.
Genome position (GRCh38, 1-based): chr12:53,058,812, G>A. VCF-style: chr12-53058812-G-A. GRCh37 (hg19) VCF-style: chr12-53452596-G-A.
Other names: c.1390G>A, p.Glu464Lys (NM_001416202.1, NM_001416204.1); c.1321G>A, p.Glu441Lys (NM_001416203.1, NM_015319.3); c.1018G>A, p.Glu340Lys (NM_198316.2); short protein forms E464K, E441K, E340K.
Identifiers: ClinVar variation 2722929 (VCV002722929.3), dbSNP rs569791054, ClinGen allele CA6592313.